The following is an entry in ClinVar:

NM_080473.5(GATA5):c.37C>G (p.Gln13Glu)

Gene: GATA5 (GATA binding protein 5; minus strand). Cytogenetic location: 20q13.33.
Variant type: single nucleotide variant.
Coding change: c.37C>G on transcript NM_080473.5 (MANE Select); coding-DNA position 37, C replaced by G.
Protein change: p.Gln13Glu; replaces glutamine 13 with glutamic acid.
Molecular consequence: missense variant.
Genome position (GRCh38, 1-based): chr20:62,475,485, G>C on the plus strand (C>G on the coding strand, the complement: GATA5 is on the minus strand). VCF-style: chr20-62475485-G-C. GRCh37 (hg19) VCF-style: chr20-61050541-G-C.
Other names: short protein forms Q13E.
Identifiers: ClinVar variation 4808374 (VCV004808374.1).

ClinVar aggregate classification (germline): Uncertain significance (1 of 4 stars; one submission).

Submission:

Labcorp Genetics (formerly Invitae), Labcorp
Classification: Uncertain significance. Last evaluated: 2025-08-12. Review status: criteria provided, single submitter. Criteria: Invitae Variant Classification Sherloc (09022015). Collection method: clinical testing. Allele origin: germline.
Comment: This sequence change replaces glutamine, which is neutral and polar, with glutamic acid, which is acidic and polar, at codon 13 of the GATA5 protein (p.Gln13Glu). This variant is not present in population databases (gnomAD no frequency). This variant has not been reported in the literature in individuals affected with GATA5-related conditions. An algorithm developed to predict the effect of missense changes on protein structure and function (PolyPhen-2) suggests that this variant is likely to be tolerated. In summary, the available evidence is currently insufficient to determine the role of this variant in disease. Therefore, it has been classified as a Variant of Uncertain Significance.